The following is an entry in ClinVar:

NM_004998.4(MYO1E):c.2754C>G (p.Val918=)

Gene: MYO1E (myosin IE; minus strand). Cytogenetic location: 15q22.2.
Variant type: single nucleotide variant.
Coding change: c.2754C>G on transcript NM_004998.4 (MANE Select); coding-DNA position 2754, C replaced by G.
Protein change: p.Val918=; no amino-acid change (valine 918 retained).
Molecular consequence: synonymous variant.
Genome position (GRCh38, 1-based): chr15:59,161,104, G>C on the plus strand (C>G on the coding strand, the complement: MYO1E is on the minus strand). VCF-style: chr15-59161104-G-C. GRCh37 (hg19) VCF-style: chr15-59453303-G-C.
Identifiers: ClinVar variation 1948008 (VCV001948008.2), dbSNP rs779903011, ClinGen allele CA7589131.

ClinVar aggregate classification (germline): Uncertain significance (1 of 4 stars; one submission).

Allele frequency attached by ClinVar (database versions not stated): gnomAD exomes below 0.00001; TOPMed below 0.00001; ExAC 0.00001.
gnomAD v4.1: 4 of 1,613,924 alleles (0.00025%); highest among the groups gnomAD compares: Admixed American, 0.0033%; no homozygotes.

Submission:

Labcorp Genetics (formerly Invitae), Labcorp
Classification: Uncertain significance. Last evaluated: 2022-05-17. Review status: criteria provided, single submitter. Criteria: Invitae Variant Classification Sherloc (09022015). Collection method: clinical testing. Allele origin: germline.
Comment: This sequence change affects codon 918 of the MYO1E mRNA. It is a 'silent' change, meaning that it does not change the encoded amino acid sequence of the MYO1E protein. This variant is present in population databases (rs779903011, gnomAD 0.003%). This variant has not been reported in the literature in individuals affected with MYO1E-related conditions. Algorithms developed to predict the effect of sequence changes on RNA splicing suggest that this variant may disrupt the consensus splice site. In summary, the available evidence is currently insufficient to determine the role of this variant in disease. Therefore, it has been classified as a Variant of Uncertain Significance.